The following is an entry in ClinVar:

ClinVar aggregate classification (germline): Likely pathogenic (1 of 4 stars; one submission).

Allele frequency attached by ClinVar (database versions not stated): TOPMed below 0.00001.

Submission:

Labcorp Genetics (formerly Invitae), Labcorp
Classification: Likely pathogenic. Last evaluated: 2023-08-10. Review status: criteria provided, single submitter. Criteria: Invitae Variant Classification Sherloc (09022015). Collection method: clinical testing. Allele origin: germline.
Comment: In summary, the currently available evidence indicates that the variant is pathogenic, but additional data are needed to prove that conclusively. Therefore, this variant has been classified as Likely Pathogenic. Algorithms developed to predict the effect of sequence changes on RNA splicing suggest that this variant may disrupt the consensus splice site. This variant has not been reported in the literature in individuals affected with TJP2-related conditions. This variant is not present in population databases (gnomAD no frequency). This sequence change affects an acceptor splice site in intron 5 of the TJP2 gene. It is expected to disrupt RNA splicing. Variants that disrupt the donor or acceptor splice site typically lead to a loss of protein function (PMID: 16199547), and loss-of-function variants in TJP2 are known to be pathogenic (PMID: 24614073, 25921221, 28039895).

Literature cited by the submitters: PubMed 16199547; PubMed 24614073; PubMed 25921221; PubMed 28039895.

NM_004817.4(TJP2):c.953-1G>A

Gene: TJP2 (tight junction protein 2; plus strand). Cytogenetic location: 9q21.11.
Variant type: single nucleotide variant.
Coding change: c.953-1G>A on transcript NM_004817.4 (MANE Select); the canonical splice acceptor site of the intron before coding-DNA position 953, G replaced by A.
Molecular consequence: splice acceptor variant.
Genome position (GRCh38, 1-based): chr9:69,225,303, G>A. VCF-style: chr9-69225303-G-A. GRCh37 (hg19) VCF-style: chr9-71840219-G-A.
Other names: c.884-1G>A (NM_001170414.2, NM_001369870.1, NM_001369871.1); c.953-1G>A (NM_201629.3, NM_001369872.1, NM_001369873.1); c.965-1G>A (NM_001170415.1, NM_001369875.1, NM_001369874.1); c.1046-1G>A (NM_001170416.2).
Identifiers: ClinVar variation 2775981 (VCV002775981.3), dbSNP rs1829252908, ClinGen allele CA373530121.
Genomic context (GRCh38, chr9:69,225,303, plus strand): 5'-CAGACTAAGTTTTTTGAACAAATTGATAACATACGTGTATGTTTATGTGTTTGTCTCCTA[G>A]AGTATGGTCTCCGGCTTGGGAGTCAGATCTTCGTAAAGGAAATGACCCGAACGGGTCTGG-3'